The following is an entry in ClinVar:

ClinVar aggregate classification (germline): Uncertain significance (1 of 4 stars; one submission).

Conditions:
Inborn genetic diseases. Identifiers: MedGen C0950123, MeSH D030342.

Allele frequency attached by ClinVar (database versions not stated): TOPMed below 0.00001; gnomAD exomes 0.00001.
gnomAD v4.1: 7 of 1,613,322 alleles (0.00043%); highest among the groups gnomAD compares: Non-Finnish European, 0.00059%; no homozygotes.

Submission:

Ambry Genetics
Classification: Uncertain significance for Inborn genetic diseases. Last evaluated: 2024-07-11. Review status: criteria provided, single submitter. Criteria: Ambry Variant Classification Scheme 2023. Collection method: clinical testing. Allele origin: germline.
Comment: The p.V1450A variant (also known as c.4349T>C), located in coding exon 31 of the LRRK2 gene, results from a T to C substitution at nucleotide position 4349. The valine at codon 1450 is replaced by alanine, an amino acid with similar properties. This amino acid position is conserved. In addition, the in silico prediction for this alteration is inconclusive. Since supporting evidence is limited at this time, the clinical significance of this alteration remains unclear.

NM_198578.4(LRRK2):c.4349T>C (p.Val1450Ala)

Gene: LRRK2 (leucine rich repeat kinase 2; plus strand). Cytogenetic location: 12q12.
Variant type: single nucleotide variant.
Coding change: c.4349T>C on transcript NM_198578.4 (MANE Select); coding-DNA position 4349, T replaced by C.
Protein change: p.Val1450Ala; replaces valine 1450 with alanine.
Molecular consequence: missense variant.
Genome position (GRCh38, 1-based): chr12:40,310,462, T>C. VCF-style: chr12-40310462-T-C. GRCh37 (hg19) VCF-style: chr12-40704264-T-C.
Other names: short protein forms V1450A.
Identifiers: ClinVar variation 1739905 (VCV001739905.3), dbSNP rs1565739626, ClinGen allele CA384418309.